The following is an entry in ClinVar:

ClinVar aggregate classification (germline): Uncertain significance (1 of 4 stars; one submission).

Conditions:
Polycystic kidney disease, adult type (PKD1). Also called: Polycystic Kidney, Autosomal Dominant; POLYCYSTIC KIDNEY DISEASE, ADULT, TYPE I; Polycystic Kidney Disease 1, Autosomal Dominant; Polycystic kidney disease 1; Polycystic kidney disease 1, severe; POLYCYSTIC KIDNEY DISEASE 1 WITH OR WITHOUT POLYCYSTIC LIVER DISEASE. Identifiers: MedGen C3149841, MONDO:0008263, OMIM 173900.

Submission:

Centre for Mendelian Genomics, University Medical Centre Ljubljana
Classification: Uncertain significance for Polycystic kidney disease, adult type. Last evaluated: 2019-03-24. Review status: criteria provided, single submitter. Criteria: ACMG Guidelines, 2015. Collection method: clinical testing. Allele origin: unknown. Affected: yes.
Comment: This variant was classified as: Uncertain significance. The following ACMG criteria were applied in classifying this variant: PM2.

NM_001009944.3(PKD1):c.7704-4G>T

Gene: PKD1 (polycystin 1, transient receptor potential channel interacting; minus strand). Cytogenetic location: 16p13.3.
Variant type: single nucleotide variant.
Coding change: c.7704-4G>T on transcript NM_001009944.3 (MANE Select); 4 bases into the intron before coding-DNA position 7704, G replaced by T.
Molecular consequence: intron variant.
Genome position (GRCh38, 1-based): chr16:2,106,028, C>A on the plus strand (G>T on the coding strand, the complement: PKD1 is on the minus strand). VCF-style: chr16-2106028-C-A. GRCh37 (hg19) VCF-style: chr16-2156029-C-A.
Other names: c.7704-4G>T (NM_000296.4).
Identifiers: ClinVar variation 930276 (VCV000930276.3), dbSNP rs778212840, ClinGen allele CA1139664381.